The following is an entry in ClinVar:

ClinVar aggregate classification (germline): Uncertain significance (1 of 4 stars; one submission).

Submission:

Labcorp Genetics (formerly Invitae), Labcorp
Classification: Uncertain significance. Last evaluated: 2022-07-05. Review status: criteria provided, single submitter. Criteria: Invitae Variant Classification Sherloc (09022015). Collection method: clinical testing. Allele origin: germline.
Comment: This sequence change replaces serine, which is neutral and polar, with leucine, which is neutral and non-polar, at codon 1533 of the EYS protein (p.Ser1533Leu). This variant is not present in population databases (gnomAD no frequency). This variant has not been reported in the literature in individuals affected with EYS-related conditions. ClinVar contains an entry for this variant (Variation ID: 1047859). Algorithms developed to predict the effect of missense changes on protein structure and function are either unavailable or do not agree on the potential impact of this missense change (SIFT: "Deleterious"; PolyPhen-2: "Possibly Damaging"; Align-GVGD: "Class C0"). In summary, the available evidence is currently insufficient to determine the role of this variant in disease. Therefore, it has been classified as a Variant of Uncertain Significance.

NM_001142800.2(EYS):c.4598C>T (p.Ser1533Leu)

Gene: EYS (EGF-like photoreceptor maintenance factor; minus strand). Cytogenetic location: 6q12.
Variant type: single nucleotide variant.
Coding change: c.4598C>T on transcript NM_001142800.2 (MANE Select); coding-DNA position 4598, C replaced by T.
Protein change: p.Ser1533Leu; replaces serine 1533 with leucine.
Molecular consequence: missense variant.
Genome position (GRCh38, 1-based): chr6:64,591,269, G>A on the plus strand (C>T on the coding strand, the complement: EYS is on the minus strand). VCF-style: chr6-64591269-G-A. GRCh37 (hg19) VCF-style: chr6-65301162-G-A.
Other names: c.4598C>T, p.Ser1533Leu (NM_001292009.2); short protein forms S1533L.
Identifiers: ClinVar variation 1047859 (VCV001047859.8), dbSNP rs1766401076, ClinGen allele CA364782966.